The following is an entry in ClinVar:

NM_002693.3(POLG):c.1596C>T (p.Pro532=)

Gene: POLG (DNA polymerase gamma, catalytic subunit; minus strand). Cytogenetic location: 15q26.1.
Variant type: single nucleotide variant.
Coding change: c.1596C>T on transcript NM_002693.3 (MANE Select); coding-DNA position 1596, C replaced by T.
Protein change: p.Pro532=; no amino-acid change (proline 532 retained).
Molecular consequence: synonymous variant.
Genome position (GRCh38, 1-based): chr15:89,326,728, G>A on the plus strand (C>T on the coding strand, the complement: POLG is on the minus strand). VCF-style: chr15-89326728-G-A. GRCh37 (hg19) VCF-style: chr15-89869959-G-A.
Other names: c.1596C>T, p.Pro532= (NM_001126131.2).
Identifiers: ClinVar variation 448100 (VCV000448100.14), dbSNP rs199856571, ClinGen allele CA7724751.

ClinVar aggregate classification (germline): Likely benign. Review status: criteria provided, multiple submitters, no conflicts (2 of 4 stars). 4 submissions from 4 submitters: Likely benign (4). Last evaluated 2025-07-25.

Conditions:
Progressive sclerosing poliodystrophy (MTDPS4A). Also called: Alpers Syndrome; ALPERS DIFFUSE DEGENERATION OF CEREBRAL GRAY MATTER WITH HEPATIC CIRRHOSIS; Alpers-Huttenlocher Syndrome; Mitochondrial DNA depletion syndrome 4A (Alpers type); Mitochondrial DNA Depletion Syndrome 4A; Alpers-Huttenlocher Syndrome (AHS). Identifiers: Orphanet 726, MedGen C0205710, MONDO:0008758, OMIM 203700.

Allele frequency attached by ClinVar (database versions not stated): gnomAD 0.00001; gnomAD exomes 0.00002 and 0.00003; TOPMed 0.00002; ExAC 0.00003; 1000 Genomes Project 30x 0.00016; 1000 Genomes Project 0.00020.
gnomAD v4.1: 34 of 1,614,096 alleles (0.0021%); highest among the groups gnomAD compares: Non-Finnish European, 0.0028%; no homozygotes.

Submissions (4):

Labcorp Genetics (formerly Invitae), Labcorp
Classification: Likely benign for Progressive sclerosing poliodystrophy. Last evaluated: 2025-07-25. Review status: criteria provided, single submitter. Criteria: Invitae Variant Classification Sherloc (09022015). Collection method: clinical testing. Allele origin: germline.

Athena Diagnostics
Classification: Likely benign. Last evaluated: 2025-01-17. Review status: criteria provided, single submitter. Criteria: Athena Diagnostics Criteria. Collection method: clinical testing. Allele origin: unknown.
Comment: Computational tools yielded predictions that this variant is unlikely to have an effect on normal RNA splicing. This nucleotide position exhibits low evolutionary conservation.

Blueprint Genetics
Classification: Likely benign. Last evaluated: 2024-10-17. Review status: criteria provided, single submitter. Criteria: ACMG Guidelines, 2015. Collection method: clinical testing. Allele origin: germline.

GeneDx
Classification: Likely benign. Last evaluated: 2018-02-23. Review status: criteria provided, single submitter. Criteria: GeneDx Variant Classification (06012015). Collection method: clinical testing. Allele origin: germline. Affected: yes.
Comment: This variant is considered likely benign or benign based on one or more of the following criteria: it is a conservative change, it occurs at a poorly conserved position in the protein, it is predicted to be benign by multiple in silico algorithms, and/or has population frequency not consistent with disease.